The following is an entry in ClinVar:

ClinVar aggregate classification (germline): Likely benign (1 of 4 stars; one submission).

Allele frequency attached by ClinVar (database versions not stated): gnomAD exomes 0.00120; gnomAD 0.01163 and 0.01227; TOPMed 0.01280; ESP Exome Variant Server 0.01343; 1000 Genomes Project 0.01577; 1000 Genomes Project 30x 0.01733.
gnomAD v4.1: 3,570 of 1,584,038 alleles (0.23%); highest among the groups gnomAD compares: African/African-American, 3.9%; 71 homozygotes.

Submission:

GeneDx
Classification: Likely benign. Last evaluated: 2018-06-19. Review status: criteria provided, single submitter. Criteria: GeneDx Variant Classification (06012015). Collection method: clinical testing. Allele origin: germline. Affected: yes.
Comment: This variant is considered likely benign or benign based on one or more of the following criteria: it is a conservative change, it occurs at a poorly conserved position in the protein, it is predicted to be benign by multiple in silico algorithms, and/or has population frequency not consistent with disease.

NM_006514.4(SCN10A):c.4089+52A>T

Gene: SCN10A (sodium voltage-gated channel alpha subunit 10; minus strand). Cytogenetic location: 3p22.2.
Variant type: single nucleotide variant.
Coding change: c.4089+52A>T on transcript NM_006514.4 (MANE Select); 52 bases into the intron after coding-DNA position 4089, A replaced by T.
Molecular consequence: intron variant.
Genome position (GRCh38, 1-based): chr3:38,712,109, T>A on the plus strand (A>T on the coding strand, the complement: SCN10A is on the minus strand). VCF-style: chr3-38712109-T-A. GRCh37 (hg19) VCF-style: chr3-38753600-T-A.
Other names: c.3795+52A>T (NM_001293307.2); c.4086+52A>T (NM_001293306.2).
Identifiers: ClinVar variation 679109 (VCV000679109.1), dbSNP rs13315383, ClinGen allele CA72950362.